The following is an entry in ClinVar:

NM_018706.7(DHTKD1):c.2048-4C>T

Gene: DHTKD1 (dehydrogenase E1 and transketolase domain containing 1; plus strand). Cytogenetic location: 10p14.
Variant type: single nucleotide variant.
Coding change: c.2048-4C>T on transcript NM_018706.7 (MANE Select); 4 bases into the intron before coding-DNA position 2048, C replaced by T.
Molecular consequence: intron variant.
Genome position (GRCh38, 1-based): chr10:12,107,905, C>T. VCF-style: chr10-12107905-C-T. GRCh37 (hg19) VCF-style: chr10-12149904-C-T.
Other names: c.2048-4C>T (NM_018706.5).
Identifiers: ClinVar variation 733199 (VCV000733199.41), dbSNP rs375385370, ClinGen allele CA5408126.
Genomic context (GRCh38, chr10:12,107,905, plus strand): 5'-GTCGTGTCAGGCCACTTTGTCCCCGCTTCGTAGAGCTCTTACTCCCCACGTGGTACTTTT[C>T]CAGGAGAGGCCAAGTGGCTCCTACAAAGCGGCATCGTCATCCTCCTTCCACATGGCTACG-3'

ClinVar aggregate classification (germline): Likely benign. Review status: criteria provided, multiple submitters, no conflicts (2 of 4 stars). 3 submissions from 3 submitters: Likely benign (3). Last evaluated 2025-08-01.

Conditions:
2-aminoadipic 2-oxoadipic aciduria (AAKAD). Also called: Aminoadipic aciduria; ALPHA-AMINOADIPIC AND ALPHA-KETOADIPIC ACIDURIA. Identifiers: Orphanet 79154, MedGen C1859817, MONDO:0008774, OMIM 204750.
Inborn genetic diseases. Identifiers: MedGen C0950123, MeSH D030342.

Allele frequency attached by ClinVar (database versions not stated): ESP Exome Variant Server 0.00008; TOPMed 0.00012; gnomAD 0.00021 and 0.00022; gnomAD exomes 0.00021 and 0.00033; ExAC 0.00022.
gnomAD v4.1: 509 of 1,606,634 alleles (0.032%); highest among the groups gnomAD compares: Non-Finnish European, 0.036%; no homozygotes.

Submissions (3):

CeGaT Center for Human Genetics Tuebingen
Classification: Likely benign. Last evaluated: 2025-08-01. Review status: criteria provided, single submitter. Criteria: CeGaT Center For Human Genetics Tuebingen Variant Classification Criteria Version 2. Collection method: clinical testing. Allele origin: germline. Affected: yes. Observed: 2 variant alleles.
Comment: DHTKD1: BP4

Labcorp Genetics (formerly Invitae), Labcorp
Classification: Likely benign for 2-aminoadipic 2-oxoadipic aciduria. Last evaluated: 2025-07-07. Review status: criteria provided, single submitter. Criteria: Invitae Variant Classification Sherloc (09022015). Collection method: clinical testing. Allele origin: germline.

Ambry Genetics
Classification: Likely benign for Inborn genetic diseases. Last evaluated: 2025-03-17. Review status: criteria provided, single submitter. Criteria: Ambry Variant Classification Scheme 2023. Collection method: clinical testing. Allele origin: germline.